The following is an entry in ClinVar:

NM_000168.6(GLI3):c.4020del (p.Gly1341fs)

Gene: GLI3 (GLI family zinc finger 3; minus strand). Cytogenetic location: 7p14.1.
Variant type: Deletion.
Coding change: c.4020del on transcript NM_000168.6 (MANE Select); coding-DNA position 4020, one base deleted (C; older notation c.4020delC).
Protein change: p.Gly1341fs; shifts the reading frame from glycine 1341.
Molecular consequence: frameshift variant.
Genome position (GRCh38, 1-based): chr7:41,965,053, G deleted on the plus strand (C on the coding strand, the reverse complement: GLI3 is on the minus strand); the first of 4 consecutive G bases (chr7:41,965,053-41,965,056); deleting any one gives the same sequence. VCF-style (leftmost placement, unchanged base first): chr7-41965052-CG-C. GRCh37 (hg19) VCF-style: chr7-42004650-CG-C.
Other names: short protein forms G1341fs.
Identifiers: ClinVar variation 2942350 (VCV002942350.3), dbSNP rs2484367143, ClinGen allele CA2740097345.
Genomic context (GRCh38, chr7:41,965,052, plus strand): 5'-CTGGCCCTTGGTAGATGTTGATGTGTGAGGTAGCACTAATCTGCCCAAGCATCTGCTGAC[CG>C]GGGCGGCCTGCCCCCGGGTGCTGCATGCTGTCGCCGAGGAGCTGGTGAGCCAGGTACCCC-3'

ClinVar aggregate classification (germline): Pathogenic (1 of 4 stars; one submission).

Conditions:
Pallister-Hall syndrome (PHS). Also called: HYPOTHALAMIC HAMARTOBLASTOMA, HYPOPITUITARISM, IMPERFORATE ANUS, AND POSTAXIAL POLYDACTYLY; GLI3-Related Pallister-Hall Syndrome. Identifiers: Orphanet 672, MedGen C0265220, MONDO:0007804, OMIM 146510.
Greig cephalopolysyndactyly syndrome (GCPS). Also called: POLYSYNDACTYLY WITH PECULIAR SKULL SHAPE; Greig syndrome; GLI3-Related Greig Cephalopolysyndactyly Syndrome. Identifiers: Orphanet 380, MedGen C0265306, MONDO:0008287, OMIM 175700.

Submission:

Labcorp Genetics (formerly Invitae), Labcorp
Classification: Pathogenic for Pallister-Hall syndrome; Greig cephalopolysyndactyly syndrome. Last evaluated: 2022-12-15. Review status: criteria provided, single submitter. Criteria: Invitae Variant Classification Sherloc (09022015). Collection method: clinical testing. Allele origin: germline.
Comment: This variant has not been reported in the literature in individuals affected with GLI3-related conditions. This variant is not present in population databases (gnomAD no frequency). This sequence change creates a premature translational stop signal (p.Gly1341Valfs*78) in the GLI3 gene. While this is not anticipated to result in nonsense mediated decay, it is expected to disrupt the last 240 amino acid(s) of the GLI3 protein. For these reasons, this variant has been classified as Pathogenic. This variant disrupts a region of the GLI3 protein in which other variant(s) (p.Thr1488Lysfs*23) have been determined to be pathogenic (PMID: 24736735). This suggests that this is a clinically significant region of the protein, and that variants that disrupt it are likely to be disease-causing.

Literature cited by the submitters: PubMed 24736735.